The following is an entry in ClinVar:

ClinVar aggregate classification (germline): Likely pathogenic (1 of 4 stars; one submission).

Conditions:
Autosomal recessive congenital ichthyosis 1 (LI1). Also called: LAMELLAR EXFOLIATION OF NEWBORN; COLLODION FETUS; DESQUAMATION OF NEWBORN; ICHTHYOSIS CONGENITA; ICHTHYOSIS CONGENITA II; ICHTHYOSIS, CONGENITAL, AUTOSOMAL RECESSIVE 1, WITH BATHING SUIT DISTRIBUTION. Identifiers: MedGen C4551630, MONDO:0009441, OMIM 242300.

Submission:

Myriad Genetics, Inc.
Classification: Likely pathogenic for Autosomal recessive congenital ichthyosis 1. Last evaluated: 2022-04-23. Review status: criteria provided, single submitter. Criteria: Myriad Women's Health Autosomal Recessive and X-Linked Classification Criteria (2021). Collection method: clinical testing. Allele origin: unknown.
Comment: NM_000359.2(TGM1):c.1642G>T(E548*) is expected to be pathogenic in the context of TGM1-related autosomal recessive congenital ichthyosis. This variant is predicted to lead to an abnormal or absent protein product due to the creation of a premature termination codon in TGM1, a gene where loss-of-function variants are known to be pathogenic. Please note: this variant was assessed in the context of healthy population screening.

NM_000359.3(TGM1):c.1642G>T (p.Glu548Ter)

Gene: TGM1 (transglutaminase 1; minus strand). Cytogenetic location: 14q12.
Variant type: single nucleotide variant.
Coding change: c.1642G>T on transcript NM_000359.3 (MANE Select); coding-DNA position 1642, G replaced by T.
Protein change: p.Glu548Ter; replaces glutamic acid 548 with a stop codon.
Molecular consequence: nonsense.
Genome position (GRCh38, 1-based): chr14:24,255,367, C>A on the plus strand (G>T on the coding strand, the complement: TGM1 is on the minus strand). VCF-style: chr14-24255367-C-A. GRCh37 (hg19) VCF-style: chr14-24724573-C-A.
Other names: short protein forms E548*.
Identifiers: ClinVar variation 1725944 (VCV001725944.2), dbSNP rs2502494768, ClinGen allele CA389253017.